The following is an entry in ClinVar:

ClinVar aggregate classification (germline): Pathogenic (1 of 4 stars; one submission).

Conditions:
Familial adenomatous polyposis 1 (FAP1). Also called: FAMILIAL ADENOMATOUS POLYPOSIS 1, ATTENUATED; POLYPOSIS, ADENOMATOUS INTESTINAL. Identifiers: MedGen C2713442, MONDO:0021056, OMIM 175100. Disease mechanism: loss of function.

Submission:

Myriad Genetics, Inc.
Classification: Pathogenic for Familial adenomatous polyposis 1. Last evaluated: 2023-05-02. Review status: criteria provided, single submitter. Criteria: Myriad Autosomal Dominant, Autosomal Recessive and X-Linked Classification Criteria (2023). Collection method: clinical testing. Allele origin: unknown.
Comment: This variant is considered pathogenic. This variant creates a frameshift predicted to result in premature protein truncation.

NM_000038.6(APC):c.1558_1565del (p.Cys520fs)

Gene: APC (APC regulator of Wnt signaling pathway; plus strand). Cytogenetic location: 5q22.2.
Variant type: Deletion.
Coding change: c.1558_1565del on transcript NM_000038.6 (MANE Select); coding-DNA positions 1558 to 1565, 8 bases deleted (TGCTCTAT; older notation c.1558_1565delTGCTCTAT).
Protein change: p.Cys520fs; shifts the reading frame from cysteine 520.
Molecular consequence: frameshift variant.
Genome position (GRCh38, 1-based): chr5:112,827,938-112,827,945, TGCTCTAT deleted. VCF-style (leftmost placement, unchanged base first): chr5-112827937-ATGCTCTAT-A. GRCh37 (hg19) VCF-style: chr5-112163634-ATGCTCTAT-A.
Other names: c.1171_1178del, p.Cys391fs (NM_001407467.1, NM_001407469.1); c.709_716del, p.Cys237fs (NM_001407470.1, NM_001354906.2); c.406_413del, p.Cys136fs (NM_001407472.1, NM_001407471.1); c.1558_1565del, p.Cys520fs (NM_001127510.3, NM_001354895.2, NM_001407450.1); c.1504_1511del, p.Cys502fs (NM_001127511.3); c.1612_1619del, p.Cys538fs (NM_001354896.2, NM_001407447.1, NM_001407448.1 and 1 more transcripts); c.1588_1595del, p.Cys530fs (NM_001354897.2); c.1483_1490del, p.Cys495fs (NM_001354898.2); and 11 more; short protein forms C136fs, C237fs, C360fs, C391fs, C394fs, C419fs, C429fs, C437fs.
Identifiers: ClinVar variation 2584011 (VCV002584011.1), dbSNP rs2533218327, ClinGen allele CA2582341359.
Genomic context (GRCh38, chr5:112,827,937, plus strand): 5'-TTGGCTTCAAGTTGTCTTTTTAATGATCCTCTATTCTGTATTTAATTTACAGGCTACGCT[ATGCTCTAT>A]GAAAGGCTGCATGAGAGCACTTGTGGCCCAACTAAAATCTGAAAGTGAAGACTTACAGCA-3'